The following is an entry in ClinVar:

ClinVar aggregate classification (germline): Uncertain significance (1 of 4 stars; one submission).

Submission:

GeneDx
Classification: Uncertain significance. Last evaluated: 2025-05-21. Review status: criteria provided, single submitter. Criteria: GeneDx Variant Classification Process June 2021. Collection method: clinical testing. Allele origin: germline.
Comment: Not observed at significant frequency in large population cohorts (gnomAD); In silico analysis suggests that this missense variant does not alter protein structure/function; Has not been previously published as pathogenic or benign to our knowledge

NM_003185.4(TAF4):c.2077C>A (p.Leu693Ile)

Gene: TAF4 (TATA-box binding protein associated factor 4; minus strand). Cytogenetic location: 20q13.33.
Variant type: single nucleotide variant.
Coding change: c.2077C>A on transcript NM_003185.4 (MANE Select); coding-DNA position 2077, C replaced by A.
Protein change: p.Leu693Ile; replaces leucine 693 with isoleucine.
Molecular consequence: missense variant.
Genome position (GRCh38, 1-based): chr20:62,006,656, G>T on the plus strand (C>A on the coding strand, the complement: TAF4 is on the minus strand). VCF-style: chr20-62006656-G-T. GRCh37 (hg19) VCF-style: chr20-60581712-G-T.
Other names: short protein forms L693I.
Identifiers: ClinVar variation 3572449 (VCV003572449.2).